The following is an entry in ClinVar:

NM_017547.4(FOXRED1):c.685C>T (p.Arg229Ter)

Gene: FOXRED1 (FAD dependent oxidoreductase domain containing 1; plus strand). Cytogenetic location: 11q24.2.
Variant type: single nucleotide variant.
Coding change: c.685C>T on transcript NM_017547.4 (MANE Select); coding-DNA position 685, C replaced by T.
Protein change: p.Arg229Ter; replaces arginine 229 with a stop codon.
Molecular consequence: nonsense. On other transcripts: non-coding transcript variant (2).
Genome position (GRCh38, 1-based): chr11:126,275,380, C>T. VCF-style: chr11-126275380-C-T. GRCh37 (hg19) VCF-style: chr11-126145275-C-T.
Other names: c.715C>T, p.Arg239Ter (NM_001425160.1); c.685C>T, p.Arg229Ter (NM_001425161.1, NM_001425163.1, NM_001425165.1 and 1 more transcripts); c.682C>T, p.Arg228Ter (NM_001425164.1); c.175C>T, p.Arg59Ter (NM_001425168.1, NM_001425169.1, NM_001425170.1); c.124C>T, p.Arg42Ter (NM_001425171.1, NM_001425172.1); c.52C>T, p.Arg18Ter (NM_001425173.1, NM_001425174.1, NM_001425175.1); short protein forms R239*, R42*, R229*, R18*, R228*, R59*.
Identifiers: ClinVar variation 2722051 (VCV002722051.3), dbSNP rs965900698, ClinGen allele CA230562465.

ClinVar aggregate classification (germline): Pathogenic (1 of 4 stars; one submission).

Allele frequency attached by ClinVar (database versions not stated): TOPMed below 0.00001; gnomAD 0.00001; gnomAD exomes 0.00001.
gnomAD v4.1: 11 of 1,613,788 alleles (0.00068%); highest among the groups gnomAD compares: East Asian, 0.0045%; no homozygotes.

Submission:

Labcorp Genetics (formerly Invitae), Labcorp
Classification: Pathogenic. Last evaluated: 2024-02-16. Review status: criteria provided, single submitter. Criteria: Invitae Variant Classification Sherloc (09022015). Collection method: clinical testing. Allele origin: germline.
Comment: This sequence change creates a premature translational stop signal (p.Arg229*) in the FOXRED1 gene. It is expected to result in an absent or disrupted protein product. Loss-of-function variants in FOXRED1 are known to be pathogenic (PMID: 20818383, 20858599). This variant is present in population databases (no rsID available, gnomAD 0.006%). This variant has not been reported in the literature in individuals affected with FOXRED1-related conditions. Algorithms developed to predict the effect of sequence changes on RNA splicing suggest that this variant may disrupt the consensus splice site. For these reasons, this variant has been classified as Pathogenic.

Literature cited by the submitters: PubMed 20818383; PubMed 20858599.